The following is an entry in ClinVar:

ClinVar aggregate classification (germline): Uncertain significance (1 of 4 stars; one submission).

Conditions:
Myofibrillar myopathy 5. Also called: Filaminopathy (type); FILAMINOPATHY, AUTOSOMAL DOMINANT. Identifiers: Orphanet 171445, MedGen C1836050, MONDO:0012289, OMIM 609524.
Distal myopathy with posterior leg and anterior hand involvement. Also called: WILLIAMS DISTAL MYOPATHY. Identifiers: Orphanet 63273, MedGen C3279722, MONDO:0013550, OMIM 614065.
Hypertrophic cardiomyopathy 26. Also called: Cardiomyopathy, familial hypertrophic, 26. Identifiers: Orphanet 75249, MedGen C4310749, MONDO:0014883, OMIM 617047.

Submission:

Labcorp Genetics (formerly Invitae), Labcorp
Classification: Uncertain significance for Distal myopathy with posterior leg and anterior hand involvement; Myofibrillar myopathy 5; Hypertrophic cardiomyopathy 26. Last evaluated: 2022-07-19. Review status: criteria provided, single submitter. Criteria: Invitae Variant Classification Sherloc (09022015). Collection method: clinical testing. Allele origin: germline.
Comment: This variant has not been reported in the literature in individuals affected with FLNC-related conditions. In summary, the available evidence is currently insufficient to determine the role of this variant in disease. Therefore, it has been classified as a Variant of Uncertain Significance. Algorithms developed to predict the effect of missense changes on protein structure and function are either unavailable or do not agree on the potential impact of this missense change (SIFT: "Tolerated"; PolyPhen-2: "Probably Damaging"; Align-GVGD: "Class C0"). ClinVar contains an entry for this variant (Variation ID: 1461539). This variant is not present in population databases (gnomAD no frequency). This sequence change replaces glycine, which is neutral and non-polar, with aspartic acid, which is acidic and polar, at codon 1891 of the FLNC protein (p.Gly1891Asp).

NM_001458.5(FLNC):c.5672G>A (p.Gly1891Asp)

Genes: FLNC-AS1 (FLNC antisense RNA 1; minus strand), FLNC (filamin C; plus strand). Cytogenetic location: 7q32.1.
Variant type: single nucleotide variant.
Coding change: c.5672G>A on transcript NM_001458.5 (MANE Select); coding-DNA position 5672, G replaced by A.
Protein change: p.Gly1891Asp; replaces glycine 1891 with aspartic acid.
Molecular consequence: missense variant. On other transcripts: non-coding transcript variant (1).
Genome position (GRCh38, 1-based): chr7:128,851,458, G>A. VCF-style: chr7-128851458-G-A. GRCh37 (hg19) VCF-style: chr7-128491512-G-A.
Other names: c.5573G>A, p.Gly1858Asp (NM_001127487.2); short protein forms G1858D, G1891D.
Identifiers: ClinVar variation 1461539 (VCV001461539.6), dbSNP rs1808808728, ClinGen allele CA369207956.